The following is an entry in ClinVar:

NM_033380.3(COL4A5):c.2510-1_2514del

Gene: COL4A5 (collagen type IV alpha 5 chain; plus strand). Cytogenetic location: Xq22.3.
Variant type: Deletion.
Coding change: c.2510-1_2514del on transcript NM_033380.3 (MANE Select); the canonical splice acceptor site of the intron before coding-DNA position 2510 through coding-DNA position 2514, 6 bases deleted (GGTTTA; older notation c.2510-1_2514delGGTTTA).
Molecular consequence: splice acceptor variant.
Genome position (GRCh38, 1-based): chrX:108,620,258-108,620,263, GGTTTA deleted; deleting any 6 consecutive bases within chrX:108,620,256-108,620,263 gives the same sequence; the c. name uses the placement nearest the transcript's 3' end. VCF-style (leftmost placement, unchanged base first): chrX-108620255-CTAGGTT-C. GRCh37 (hg19) VCF-style: chrX-107863485-CTAGGTT-C.
Other names: c.2510-1_2514del (NM_000495.5).
Identifiers: ClinVar variation 1066648 (VCV001066648.8), dbSNP rs2147859764, ClinGen allele CA2499226319.

ClinVar aggregate classification (germline): Likely pathogenic. Review status: criteria provided, single submitter (1 of 4 stars). 2 submissions from 2 submitters: Likely pathogenic (1). 1 of the submissions does not count toward it. Last evaluated 2024-10-30.

Conditions:
X-linked Alport syndrome (ATS1). Also called: COL4A5-Related Nephropathy; NEPHROPATHY AND DEAFNESS, X-LINKED. Identifiers: Orphanet 63, Orphanet 88917, MedGen C4746986, MONDO:0010520, OMIM 301050.

Submissions (2):

Labcorp Genetics (formerly Invitae), Labcorp
Classification: Likely pathogenic. Last evaluated: 2024-10-30. Review status: criteria provided, single submitter. Criteria: Invitae Variant Classification Sherloc (09022015). Collection method: clinical testing. Allele origin: germline.
Comment: This variant results in the deletion of part of exon 31 (c.2510-1_2514del ) of the COL4A5 gene. It is expected to disrupt RNA splicing. Variants that disrupt the donor or acceptor splice site typically lead to a loss of protein function (PMID: 16199547), and loss-of-function variants in COL4A5 are known to be pathogenic (PMID: 9195222, 10752524, 14514738, 24854265, 26809805). This variant is not present in population databases (gnomAD no frequency). This variant has not been reported in the literature in individuals affected with COL4A5-related conditions. ClinVar contains an entry for this variant (Variation ID: 1066648). In summary, the currently available evidence indicates that the variant is pathogenic, but additional data are needed to prove that conclusively. Therefore, this variant has been classified as Likely Pathogenic.

Natera, Inc.
Classification: Likely pathogenic for X-linked Alport syndrome. Last evaluated: 2020-08-11. Review status: no assertion criteria provided. Collection method: clinical testing. Allele origin: germline. Not counted in ClinVar's aggregate classification.

Literature cited by the submitters: PubMed 16199547 (cited by Labcorp Genetics (formerly Invitae), Labcorp); PubMed 9195222 (cited by Labcorp Genetics (formerly Invitae), Labcorp); PubMed 10752524 (cited by Labcorp Genetics (formerly Invitae), Labcorp); PubMed 14514738 (cited by Labcorp Genetics (formerly Invitae), Labcorp); PubMed 24854265 (cited by Labcorp Genetics (formerly Invitae), Labcorp); PubMed 26809805 (cited by Labcorp Genetics (formerly Invitae), Labcorp).